The following is an entry in ClinVar:

NM_033380.3(COL4A5):c.3293G>A (p.Gly1098Asp)

Gene: COL4A5 (collagen type IV alpha 5 chain; plus strand). Cytogenetic location: Xq22.3.
Variant type: single nucleotide variant.
Coding change: c.3293G>A on transcript NM_033380.3 (MANE Select); coding-DNA position 3293, G replaced by A.
Protein change: p.Gly1098Asp; replaces glycine 1098 with aspartic acid.
Molecular consequence: missense variant.
Genome position (GRCh38, 1-based): chrX:108,655,377, G>A. VCF-style: chrX-108655377-G-A. GRCh37 (hg19) VCF-style: chrX-107898607-G-A.
Other names: p.(Gly1098Asp); c.3293G>A, p.Gly1098Asp (NM_000495.5); short protein forms G1098D.
Identifiers: ClinVar variation 829910 (VCV000829910.8), dbSNP rs1603306716, ClinGen allele CA413857358.
Genomic context (GRCh38, chrX:108,655,377, plus strand): 5'-ATTCGTGTTTTCAGGGTGAGCCTGGTCTGCCTGGATACCCAGGGAACCCTGGTATCAAAG[G>A]TTCTGTGGGAGATCCTGGTTTGCCCGGATTACCAGGAACCCCTGGAGCAAAAGGACAACC-3'
Protein context (NP_203699.1, residues 1088-1108): PGYPGNPGIK[Gly1098Asp]SVGDPGLPGL

ClinVar aggregate classification (germline): Pathogenic/Likely pathogenic. Review status: criteria provided, multiple submitters, no conflicts (2 of 4 stars). 5 submissions from 5 submitters: Pathogenic (2); Likely pathogenic (2). 1 of the submissions does not count toward it. Last evaluated 2026-02-03.

Conditions:
X-linked Alport syndrome (ATS1). Also called: COL4A5-Related Nephropathy; NEPHROPATHY AND DEAFNESS, X-LINKED. Identifiers: Orphanet 63, Orphanet 88917, MedGen C4746986, MONDO:0010520, OMIM 301050.

Submissions (5):

Genetics laboratory, Institute of Kidney Diseases & Research Centre Dr. H.L. Trivedi Institute Of Transplantation Sciences
Classification: Pathogenic for X-linked Alport syndrome. Last evaluated: 2026-02-03. Review status: criteria provided, single submitter. Criteria: ACMG Guidelines, 2015. Collection method: clinical testing. Allele origin: germline. Inheritance: X-linked dominant inheritance. Affected: yes. Observed: 1 variant allele, 1 hemizygote.
Comment: The COL4A5:c.3293G>A (p.Gly1098Asp) variant is classified as Pathogenic. It results in substitution of a highly conserved glycine residue within the collagenous domain of the protein, which is critical for triple helix formation. Glycine substitutions in this region are a well-established disease mechanism and are strongly associated with Alport syndrome. The altered amino acid is predicted to disrupt protein structure and function, supporting its pathogenic role.

Centre de Génétique Humaine, Institut de Pathologie Et de Génétique
Classification: Likely pathogenic for X-linked Alport syndrome. Last evaluated: 2023-07-03. Review status: criteria provided, single submitter. Criteria: ACMG Guidelines, 2015. Collection method: clinical testing. Allele origin: maternal. Inheritance: X-linked dominant inheritance. Affected: yes. Observed: 1 variant allele, 1 hemizygote. Segregation with disease observed.
Comment: This missense variant involves a highly conserved glycine located in a ‘Gly-X-Y’ motif in collagenous region, (PM1,PP2). This variant is rare: absent in gnomAD v4.1.0 database (PM2). Two other missense variant affecting the same residue described: 3293G>C (p.Gly1098Ala, LP in ClinVar and c.3293G>T (p.Gly1098Val): P in ClinVar; PMID: 32761583; PMID: 37100867 (PM5). In silico analysis supports that this missense variant has a deleterious effect (PP3). Described in patients with X-linked AS in the scientific literature (PP5)

Labcorp Genetics (formerly Invitae), Labcorp
Classification: Pathogenic. Last evaluated: 2022-10-10. Review status: criteria provided, single submitter. Criteria: Invitae Variant Classification Sherloc (09022015). Collection method: clinical testing. Allele origin: germline.
Comment: This sequence change replaces glycine, which is neutral and non-polar, with aspartic acid, which is acidic and polar, at codon 1098 of the COL4A5 protein (p.Gly1098Asp). This variant is not present in population databases (gnomAD no frequency). For these reasons, this variant has been classified as Pathogenic. This variant disrupts the triple helix domain of COL4A5. Glycine residues within the Gly-Xaa-Yaa repeats of the triple helix domain are required for the structure and stability of fibrillar collagens (PMID: 7695699, 8218237, 19344236). In COL4A5, missense variants at these glycine residues are significantly enriched in individuals with disease (PMID: 23720012, 27627812) compared to the general population (ExAC). Advanced modeling of protein sequence and biophysical properties (such as structural, functional, and spatial information, amino acid conservation, physicochemical variation, residue mobility, and thermodynamic stability) performed at Invitae indicates that this missense variant is expected to disrupt COL4A5 protein function. ClinVar contains an entry for this variant (Variation ID: 829910). This missense change has been observed in individuals with Alport syndrome (PMID: 29854973; Invitae).

Fulgent Genetics
Classification: Likely pathogenic for X-linked Alport syndrome. Last evaluated: 2021-07-19. Review status: criteria provided, single submitter. Criteria: ACMG Guidelines, 2015. Collection method: clinical testing. Allele origin: unknown.

Bioscientia Institut fuer Medizinische Diagnostik GmbH, Sonic Healthcare
Classification: Likely pathogenic for X-linked Alport syndrome. Last evaluated: 2019-10-21. Review status: no assertion criteria provided. Collection method: clinical testing. Allele origin: germline. Affected: yes. Not counted in ClinVar's aggregate classification.

Literature cited by the submitters: PubMed 29854973 (cited by Centre de Génétique Humaine, Institut de Pathologie Et de Génétique and Labcorp Genetics (formerly Invitae), Labcorp); PubMed 7695699 (cited by Labcorp Genetics (formerly Invitae), Labcorp); PubMed 8218237 (cited by Labcorp Genetics (formerly Invitae), Labcorp); PubMed 19344236 (cited by Labcorp Genetics (formerly Invitae), Labcorp); PubMed 23720012 (cited by Labcorp Genetics (formerly Invitae), Labcorp); PubMed 27627812 (cited by Labcorp Genetics (formerly Invitae), Labcorp).